The following is an entry in ClinVar:

NM_003884.5(KAT2B):c.2197A>C (p.Lys733Gln)

Gene: KAT2B (lysine acetyltransferase 2B; plus strand). Cytogenetic location: 3p24.3.
Variant type: single nucleotide variant.
Coding change: c.2197A>C on transcript NM_003884.5 (MANE Select); coding-DNA position 2197, A replaced by C.
Protein change: p.Lys733Gln; replaces lysine 733 with glutamine.
Molecular consequence: missense variant.
Genome position (GRCh38, 1-based): chr3:20,148,283, A>C. VCF-style: chr3-20148283-A-C. GRCh37 (hg19) VCF-style: chr3-20189775-A-C.
Other names: short protein forms K733Q.
Identifiers: ClinVar variation 4997615 (VCV004997615.1).
Genomic context (GRCh38, chr3:20,148,283, plus strand): 5'-TTTCCCTTTTTCCTTTCAAGTAAAGAGCCCAGAGACCCTGACCAGCTTTACAGCACGCTC[A>C]AGAGCATCCTCCAGCAGGTGAAGGTGGGTGTCCTCTTTATTCACCTCATGCAAATATTTT-3'
Protein context (NP_003875.3, residues 723-743): RDPDQLYSTL[Lys733Gln]SILQQVKSHQ

ClinVar aggregate classification (germline): Uncertain significance (1 of 4 stars; one submission).

Conditions:
KAT2B-related disorder. Also called: KAT2B-related condition.

Submission:

PreventionGenetics, part of Exact Sciences
Classification: Uncertain significance for KAT2B-related condition. Last evaluated: 2025-05-22. Review status: criteria provided, single submitter. Criteria: ACMG Guidelines, 2015. Collection method: clinical testing. Allele origin: germline.
Comment: The KAT2B c.2197A>C variant is predicted to result in the amino acid substitution p.Lys733Gln. To our knowledge, this variant has not been reported in the literature or in a large population database (gnomAD), indicating this variant is rare. At this time, the clinical significance of this variant is uncertain due to the absence of conclusive functional and genetic evidence.